The following is an entry in ClinVar:

ClinVar aggregate classification (germline): Uncertain significance (1 of 4 stars; one submission).

Conditions:
Bardet-Biedl syndrome (BBS). Identifiers: Orphanet 110, MedGen C0752166, MONDO:0015229.

Submission:

Labcorp Genetics (formerly Invitae), Labcorp
Classification: Uncertain significance for Bardet-Biedl syndrome. Last evaluated: 2022-08-16. Review status: criteria provided, single submitter. Criteria: Invitae Variant Classification Sherloc (09022015). Collection method: clinical testing. Allele origin: germline.
Comment: This sequence change replaces proline, which is neutral and non-polar, with leucine, which is neutral and non-polar, at codon 63 of the BBS10 protein (p.Pro63Leu). In summary, the available evidence is currently insufficient to determine the role of this variant in disease. Therefore, it has been classified as a Variant of Uncertain Significance. Algorithms developed to predict the effect of missense changes on protein structure and function are either unavailable or do not agree on the potential impact of this missense change (SIFT: "Deleterious"; PolyPhen-2: "Probably Damaging"; Align-GVGD: "Class C0"). ClinVar contains an entry for this variant (Variation ID: 1503769). This variant has not been reported in the literature in individuals affected with BBS10-related conditions. This variant is not present in population databases (gnomAD no frequency).

NM_024685.4(BBS10):c.188C>T (p.Pro63Leu)

Gene: BBS10 (Bardet-Biedl syndrome 10; minus strand). Cytogenetic location: 12q21.2.
Variant type: single nucleotide variant.
Coding change: c.188C>T on transcript NM_024685.4 (MANE Select); coding-DNA position 188, C replaced by T.
Protein change: p.Pro63Leu; replaces proline 63 with leucine.
Molecular consequence: missense variant.
Genome position (GRCh38, 1-based): chr12:76,348,171, G>A on the plus strand (C>T on the coding strand, the complement: BBS10 is on the minus strand). VCF-style: chr12-76348171-G-A. GRCh37 (hg19) VCF-style: chr12-76741951-G-A.
Other names: short protein forms P63L.
Identifiers: ClinVar variation 1503769 (VCV001503769.8), dbSNP rs2136091508, ClinGen allele CA385816061.
Genomic context (GRCh38, chr12:76,348,171, plus strand): 5'-AGAGGCTGCCTGGGGTGCCCGGCTACGGGTTAGCGTGTGGGACGCGGGTACCTGGCTATG[G>A]GATGCTCTAAGTGTAGCGCCTCCAGGAGGCGGCCTCCATTCCGGCTGAGAAGCACCTCGC-3'
Protein context (NP_078961.3, residues 53-73): RLLEALHLEH[Pro63Leu]IARMIVDCVS